The following is an entry in ClinVar:

ClinVar aggregate classification (germline): Uncertain significance (1 of 4 stars; one submission).

Conditions:
Joubert syndrome. Also called: CEREBELLOPARENCHYMAL DISORDER IV; JOUBERT-BOLTSHAUSER SYNDROME; Familial aplasia of the vermis. Identifiers: Orphanet 475, MedGen C5979921, MONDO:0018772.

Allele frequency attached by ClinVar (database versions not stated): gnomAD exomes below 0.00001; TOPMed below 0.00001; ExAC 0.00001.
gnomAD v4.1: 4 of 1,277,456 alleles (0.00031%); highest among the groups gnomAD compares: Non-Finnish European, 0.00033%; no homozygotes.

Submission:

Labcorp Genetics (formerly Invitae), Labcorp
Classification: Uncertain significance for Joubert syndrome. Last evaluated: 2024-11-05. Review status: criteria provided, single submitter. Criteria: Invitae Variant Classification Sherloc (09022015). Collection method: clinical testing. Allele origin: germline.
Comment: This sequence change replaces aspartic acid, which is acidic and polar, with asparagine, which is neutral and polar, at codon 380 of the INPP5E protein (p.Asp380Asn). The frequency data for this variant in the population databases is considered unreliable, as metrics indicate poor data quality at this position in the gnomAD database. This variant has not been reported in the literature in individuals affected with INPP5E-related conditions. ClinVar contains an entry for this variant (Variation ID: 1467076). Invitae Evidence Modeling of protein sequence and biophysical properties (such as structural, functional, and spatial information, amino acid conservation, physicochemical variation, residue mobility, and thermodynamic stability) indicates that this missense variant is expected to disrupt INPP5E protein function with a positive predictive value of 80%. In summary, the available evidence is currently insufficient to determine the role of this variant in disease. Therefore, it has been classified as a Variant of Uncertain Significance.

NM_019892.6(INPP5E):c.1138G>A (p.Asp380Asn)

Gene: INPP5E (inositol polyphosphate-5-phosphatase E; minus strand). Cytogenetic location: 9q34.3.
Variant type: single nucleotide variant.
Coding change: c.1138G>A on transcript NM_019892.6 (MANE Select); coding-DNA position 1138, G replaced by A.
Protein change: p.Asp380Asn; replaces aspartic acid 380 with asparagine.
Molecular consequence: missense variant.
Genome position (GRCh38, 1-based): chr9:136,433,176, C>T on the plus strand (G>A on the coding strand, the complement: INPP5E is on the minus strand). VCF-style: chr9-136433176-C-T. GRCh37 (hg19) VCF-style: chr9-139327628-C-T.
Other names: c.1138G>A, p.Asp380Asn (NM_001318502.2); short protein forms D380N.
Identifiers: ClinVar variation 1467076 (VCV001467076.8), dbSNP rs770456201, ClinGen allele CA5336940.